The following is an entry in ClinVar:

ClinVar aggregate classification (germline): Uncertain significance (1 of 4 stars; one submission).

Submission:

Women's Health and Genetics/Laboratory Corporation of America, LabCorp
Classification: Uncertain significance. Last evaluated: 2025-10-03. Review status: criteria provided, single submitter. Criteria: LabCorp Variant Classification Summary - May 2015. Collection method: clinical testing. Allele origin: germline.
Comment: Variant summary: DRD5 c.34C>T (p.Pro12Ser) results in a non-conservative amino acid change in the encoded protein sequence. Algorithms developed to predict the effect of missense changes on protein structure and function are either unavailable or do not agree on the potential impact of this missense change. The variant was absent in 124876 control chromosomes. The available data on variant occurrences in the general population are insufficient to allow any conclusion about variant significance. To our knowledge, no occurrence of c.34C>T in individuals affected with DRD5-related conditions and no experimental evidence demonstrating its impact on protein function have been reported. No submitters have cited clinical-significance assessments for this variant to ClinVar. Based on the evidence outlined above, the variant was classified as uncertain significance.

NM_000798.5(DRD5):c.34C>T (p.Pro12Ser)

Genes: DRD5 (dopamine receptor D5; plus strand), SLC2A9 (solute carrier family 2 member 9; minus strand). Cytogenetic location: 4p16.1.
Variant type: single nucleotide variant.
Coding change: c.34C>T on transcript NM_000798.5 (MANE Select); coding-DNA position 34, C replaced by T.
Protein change: p.Pro12Ser; replaces proline 12 with serine.
Molecular consequence: missense variant.
Genome position (GRCh38, 1-based): chr4:9,782,063, C>T. VCF-style: chr4-9782063-C-T. GRCh37 (hg19) VCF-style: chr4-9783687-C-T.
Other names: short protein forms P12S.
Identifiers: ClinVar variation 4687596 (VCV004687596.1).
Genomic context (GRCh38, chr4:9,782,063, plus strand): 5'-CAGACCGCCCCTGCAGTCCAGCCCGAAATGCTGCCGCCAGGCAGCAACGGCACCGCGTAC[C>T]CGGGGCAGTTCGCTCTATACCAGCAGCTGGCGCAGGGGAACGCCGTGGGGGGCTCGGCGG-3'
Protein context (NP_000789.1, residues 2-22): LPPGSNGTAY[Pro12Ser]GQFALYQQLA